The following is an entry in ClinVar:

ClinVar aggregate classification (germline): Pathogenic (1 of 4 stars; one submission).

Conditions:
Hereditary spastic paraplegia 49 (HSAN9). Also called: TECPR2-Related Hereditary Sensory and Autonomic Neuropathy with Intellectual Disability; NEUROPATHY, HEREDITARY SENSORY AND AUTONOMIC, TYPE IX, WITH DEVELOPMENTAL DELAY; Spastic paraplegia 49, autosomal recessive. Identifiers: Orphanet 320385, MedGen C5190860, MONDO:0014016, OMIM 615031.

Allele frequency attached by ClinVar (database versions not stated): TOPMed below 0.00001.

Submission:

Labcorp Genetics (formerly Invitae), Labcorp
Classification: Pathogenic for Hereditary spastic paraplegia 49. Last evaluated: 2022-01-11. Review status: criteria provided, single submitter. Criteria: Invitae Variant Classification Sherloc (09022015). Collection method: clinical testing. Allele origin: germline.
Comment: This sequence change creates a premature translational stop signal (p.Trp1306*) in the TECPR2 gene. It is expected to result in an absent or disrupted protein product. Loss-of-function variants in TECPR2 are known to be pathogenic (PMID: 23176824, 25590979). For these reasons, this variant has been classified as Pathogenic. This variant has not been reported in the literature in individuals affected with TECPR2-related conditions. This variant is not present in population databases (gnomAD no frequency).

Literature cited by the submitters: PubMed 23176824; PubMed 25590979.

NM_014844.5(TECPR2):c.3918G>A (p.Trp1306Ter)

Gene: TECPR2 (tectonin beta-propeller repeat containing 2; plus strand). Cytogenetic location: 14q32.31.
Variant type: single nucleotide variant.
Coding change: c.3918G>A on transcript NM_014844.5 (MANE Select); coding-DNA position 3918, G replaced by A.
Protein change: p.Trp1306Ter; replaces tryptophan 1306 with a stop codon.
Molecular consequence: nonsense.
Genome position (GRCh38, 1-based): chr14:102,497,107, G>A. VCF-style: chr14-102497107-G-A. GRCh37 (hg19) VCF-style: chr14-102963444-G-A.
Other names: short protein forms W1306*.
Identifiers: ClinVar variation 1924891 (VCV001924891.5), dbSNP rs1891304213, ClinGen allele CA391057870.
Genomic context (GRCh38, chr14:102,497,107, plus strand): 5'-CAGGTGGAACGTGCACGTGCGGACCGGGATCACCGAGGAGATGCCTGTGGGGACCGCCTG[G>A]GAGCATGTGCCAGGTAGGAGCCTGCAGACAGGGCCTGTGGTGCCGGCCAGCCGGGGCTAC-3'